The following is an entry in ClinVar:

NM_178857.6(RP1L1):c.3599G>T (p.Gly1200Val)

Gene: RP1L1 (RP1 like 1). Cytogenetic location: 8p23.1.
Variant type: single nucleotide variant.
Coding change: c.3599G>T on transcript NM_178857.6 (MANE Select); coding-DNA position 3599, G replaced by T.
Protein change: p.Gly1200Val; replaces glycine 1200 with valine.
Molecular consequence: missense variant.
Genome position (GRCh38, 1-based): chr8:10,610,499, C>A on the plus strand (G>T on the coding strand, the complement: RP1L1 is on the minus strand). VCF-style: chr8-10610499-C-A. GRCh37 (hg19) VCF-style: chr8-10468009-C-A.
Other names: short protein forms G1200V.
Identifiers: ClinVar variation 4849529 (VCV004849529.2).
Genomic context (GRCh38, chr8:10,610,499, plus strand): 5'-TCCATGGCACAGGGTACGCTACTCTCCCCTGAGCCTCCAGAGCCGCTGCTGATGTCCACA[C>A]CAGAGGAGGATGTGGGCGTGAAGTTCTCCGTCATGGCATGGGACCCAAGGTCTGGCAGAG-3'
Protein context (NP_849188.4, residues 1190-1210): TENFTPTSSS[Gly1200Val]VDISSGSGGS

ClinVar aggregate classification (germline): Pathogenic/Likely pathogenic. Review status: criteria provided, multiple submitters, no conflicts (2 of 4 stars). 2 submissions from 2 submitters: Pathogenic (1); Likely pathogenic (1). Last evaluated 2026-03-04.

Conditions:
Retinal disorder. Also called: Retinopathy; Retinopathies; Retinal Diseases; Retinal disorders. Identifiers: MedGen C0035309, MONDO:0005283, HP:0000488.
RP1L1-related disorder. Also called: RP1L1-related condition.

gnomAD v4.1: 2 of 1,613,780 alleles (0.00012%); highest among the groups gnomAD compares: East Asian, 0.0045%; no homozygotes.

Submissions (2):

Genetics Laboratory, Great Ormond Street Hospital NHS Foundation Trust, North Thames Genomic Laboratory Hub
Classification: Likely pathogenic for Retinal disorders. Last evaluated: 2026-03-04. Review status: criteria provided, single submitter. Criteria: ACGS Best Practice Guidelines for Variant Classification in Rare Disease 2024 v1.2. Collection method: clinical testing. Allele origin: germline. Affected: yes.
Comment: PS4_moderate, PM2_moderate, BP4_supporting, PM1_supporting, PP1_moderate

Blueprint Genetics
Classification: Pathogenic for RP1L1-related disorders. Last evaluated: 2023-10-27. Review status: criteria provided, single submitter. Criteria: ACMG Guidelines, 2015. Collection method: clinical testing. Allele origin: germline. Affected: yes. Observed: 5 variant alleles.